The following is an entry in ClinVar:

NM_001194998.2(CEP152):c.4005T>G (p.Ile1335Met)

Gene: CEP152 (centrosomal protein 152; minus strand). Cytogenetic location: 15q21.1.
Variant type: single nucleotide variant.
Coding change: c.4005T>G on transcript NM_001194998.2 (MANE Select); coding-DNA position 4005, T replaced by G.
Protein change: p.Ile1335Met; replaces isoleucine 1335 with methionine.
Molecular consequence: missense variant.
Genome position (GRCh38, 1-based): chr15:48,741,689, A>C on the plus strand (T>G on the coding strand, the complement: CEP152 is on the minus strand). VCF-style: chr15-48741689-A-C. GRCh37 (hg19) VCF-style: chr15-49033886-A-C.
Other names: c.3837T>G, p.Ile1279Met (NM_014985.4); short protein forms I1279M, I1335M.
Identifiers: ClinVar variation 2064960 (VCV002064960.4), dbSNP rs767693715, ClinGen allele CA7548199.
Genomic context (GRCh38, chr15:48,741,689, plus strand): 5'-ACTAGAAATAGGTGTTTCCAGTAATTTTGCCATTGTAGCAAGTTTGCTAGCAGCATTCAT[A>C]ATCTTTTTCTCAGCCCTGTGGGGAATTCCAGAATATTAAAAATATAGTTTAAAGGAAAAA-3'
Protein context (NP_001181927.1, residues 1325-1345): DDGKEGAEKK[Ile1335Met]MNAASKLATM

ClinVar aggregate classification (germline): Uncertain significance (1 of 4 stars; one submission).

Allele frequency attached by ClinVar (database versions not stated): gnomAD 0.00001; TOPMed 0.00001; gnomAD exomes 0.00002; ExAC 0.00005.
gnomAD v4.1: 16 of 1,613,976 alleles (0.00099%); highest among the groups gnomAD compares: Non-Finnish European, 0.0013%; no homozygotes.

Submission:

Labcorp Genetics (formerly Invitae), Labcorp
Classification: Uncertain significance. Last evaluated: 2023-10-30. Review status: criteria provided, single submitter. Criteria: Invitae Variant Classification Sherloc (09022015). Collection method: clinical testing. Allele origin: germline.
Comment: This sequence change replaces isoleucine, which is neutral and non-polar, with methionine, which is neutral and non-polar, at codon 1279 of the CEP152 protein (p.Ile1279Met). This variant is present in population databases (rs767693715, gnomAD 0.007%). This variant has not been reported in the literature in individuals affected with CEP152-related conditions. ClinVar contains an entry for this variant (Variation ID: 2064960). Advanced modeling of protein sequence and biophysical properties (such as structural, functional, and spatial information, amino acid conservation, physicochemical variation, residue mobility, and thermodynamic stability) performed at Invitae indicates that this missense variant is not expected to disrupt CEP152 protein function with a negative predictive value of 80%. In summary, the available evidence is currently insufficient to determine the role of this variant in disease. Therefore, it has been classified as a Variant of Uncertain Significance.